The following is an entry in ClinVar:

ClinVar aggregate classification (germline): Likely benign. Review status: criteria provided, multiple submitters, no conflicts (2 of 4 stars). 5 submissions from 5 submitters: Likely benign (5). Last evaluated 2025-02-02.

Conditions:
Cardiomyopathy (CMYO). Also called: Cardiomyopathies. Identifiers: Orphanet 167848, MedGen C0878544, MONDO:0004994, HP:0001638. Inheritance: Various modes of inheritance.
Hypertrophic cardiomyopathy. Also called: HYPERTROPHIC MYOCARDIOPATHY. Identifiers: Orphanet 217569, MedGen C0007194, MeSH D002312, MONDO:0005045, HP:0001639.
Cardiovascular phenotype. Identifiers: MedGen CN230736.
Lethal congenital glycogen storage disease of heart. Also called: PHOSPHORYLASE KINASE DEFICIENCY OF HEART; GLYCOGEN STORAGE DISEASE OF HEART. Identifiers: Orphanet 439854, MedGen C1849813, MONDO:0009867, OMIM 261740.

Allele frequency attached by ClinVar (database versions not stated): gnomAD 0.00001; TOPMed 0.00003; ExAC 0.00004; gnomAD exomes 0.00004; ESP Exome Variant Server 0.00008.
gnomAD v4.1: 55 of 1,614,010 alleles (0.0034%); highest among the groups gnomAD compares: South Asian, 0.0044%; no homozygotes.

Submissions (5):

Labcorp Genetics (formerly Invitae), Labcorp
Classification: Likely benign for Lethal congenital glycogen storage disease of heart. Last evaluated: 2025-02-02. Review status: criteria provided, single submitter. Criteria: Invitae Variant Classification Sherloc (09022015). Collection method: clinical testing. Allele origin: germline.

All of Us Research Program, National Institutes of Health
Classification: Likely benign for Hypertrophic cardiomyopathy. Last evaluated: 2023-10-02. Review status: criteria provided, single submitter. Criteria: ACMG Guidelines, 2015. Collection method: clinical testing. Allele origin: germline. Inheritance: Autosomal dominant inheritance. Observed: 5 variant alleles, 5 heterozygotes.
Comment: This study involves interpretation of variants in research participants for the purpose of population health screening. Participant phenotype was not available at the time of variant classification. Additional details can be found in publication PMID: 35346344, PMCID: PMC8962531

Ambry Genetics
Classification: Likely benign for Cardiovascular phenotype. Last evaluated: 2023-03-13. Review status: criteria provided, single submitter. Criteria: Ambry Variant Classification Scheme 2023. Collection method: clinical testing. Allele origin: germline.

Color Diagnostics, LLC DBA Color Health
Classification: Likely benign for Cardiomyopathy. Last evaluated: 2022-11-06. Review status: criteria provided, single submitter. Criteria: ACMG Guidelines, 2015. Collection method: clinical testing. Allele origin: germline.

GeneDx
Classification: Likely benign. Last evaluated: 2017-01-26. Review status: criteria provided, single submitter. Criteria: GeneDx Variant Classification (06012015). Collection method: clinical testing. Allele origin: germline. Affected: yes.
Comment: This variant is considered likely benign or benign based on one or more of the following criteria: it is a conservative change, it occurs at a poorly conserved position in the protein, it is predicted to be benign by multiple in silico algorithms, and/or has population frequency not consistent with disease.

NM_016203.4(PRKAG2):c.1479G>A (p.Thr493=)

Gene: PRKAG2 (protein kinase AMP-activated non-catalytic subunit gamma 2; minus strand). Cytogenetic location: 7q36.1.
Variant type: single nucleotide variant.
Coding change: c.1479G>A on transcript NM_016203.4 (MANE Select); coding-DNA position 1479, G replaced by A.
Protein change: p.Thr493=; no amino-acid change (threonine 493 retained).
Molecular consequence: synonymous variant.
Genome position (GRCh38, 1-based): chr7:151,564,183, C>T on the plus strand (G>A on the coding strand, the complement: PRKAG2 is on the minus strand). VCF-style: chr7-151564183-C-T. GRCh37 (hg19) VCF-style: chr7-151261269-C-T.
Other names: c.1347G>A, p.Thr449= (NM_001040633.2); c.1104G>A, p.Thr368= (NM_001304527.2); c.756G>A, p.Thr252= (NM_001304531.2, NM_024429.2); c.1107G>A, p.Thr369= (NM_001363698.2).
Identifiers: ClinVar variation 385450 (VCV000385450.15), dbSNP rs367768776, ClinGen allele CA055228.